The following is an entry in ClinVar:

ClinVar aggregate classification (germline): Uncertain significance. Review status: criteria provided, multiple submitters, no conflicts (2 of 4 stars). 2 submissions from 2 submitters: Uncertain significance (2). Last evaluated 2024-11-12.

Conditions:
Dilated cardiomyopathy 1DD (CMD1DD). Identifiers: Orphanet 154, MedGen C2750995, MONDO:0013168, OMIM 613172.
Cardiovascular phenotype. Identifiers: MedGen CN230736.

gnomAD v4.1: 1 of 1,551,270 alleles (0.000064%); highest among the groups gnomAD compares: Non-Finnish European, 0.000087%; no homozygotes.

Submissions (2):

Labcorp Genetics (formerly Invitae), Labcorp
Classification: Uncertain significance for Dilated cardiomyopathy 1DD. Last evaluated: 2024-11-12. Review status: criteria provided, single submitter. Criteria: Invitae Variant Classification Sherloc (09022015). Collection method: clinical testing. Allele origin: germline.
Comment: This sequence change replaces valine, which is neutral and non-polar, with glycine, which is neutral and non-polar, at codon 997 of the RBM20 protein (p.Val997Gly). This variant is present in population databases (no rsID available, gnomAD 0.002%). This variant has not been reported in the literature in individuals affected with RBM20-related conditions. Invitae Evidence Modeling of protein sequence and biophysical properties (such as structural, functional, and spatial information, amino acid conservation, physicochemical variation, residue mobility, and thermodynamic stability) indicates that this missense variant is not expected to disrupt RBM20 protein function with a negative predictive value of 95%. In summary, the available evidence is currently insufficient to determine the role of this variant in disease. Therefore, it has been classified as a Variant of Uncertain Significance.

Ambry Genetics
Classification: Uncertain significance for Cardiovascular phenotype. Last evaluated: 2024-03-22. Review status: criteria provided, single submitter. Criteria: Ambry Variant Classification Scheme 2023. Collection method: clinical testing. Allele origin: germline.
Comment: The p.V997G variant (also known as c.2990T>G), located in coding exon 11 of the RBM20 gene, results from a T to G substitution at nucleotide position 2990. The valine at codon 997 is replaced by glycine, an amino acid with dissimilar properties. This amino acid position is conserved. In addition, this alteration is predicted to be tolerated by in silico analysis. Based on the available evidence, the clinical significance of this alteration remains unclear.

NM_001134363.3(RBM20):c.2990T>G (p.Val997Gly)

Gene: RBM20 (RNA binding motif protein 20; plus strand). Cytogenetic location: 10q25.2.
Variant type: single nucleotide variant.
Coding change: c.2990T>G on transcript NM_001134363.3 (MANE Select); coding-DNA position 2990, T replaced by G.
Protein change: p.Val997Gly; replaces valine 997 with glycine.
Molecular consequence: missense variant.
Genome position (GRCh38, 1-based): chr10:110,821,609, T>G. VCF-style: chr10-110821609-T-G. GRCh37 (hg19) VCF-style: chr10-112581367-T-G.
Other names: short protein forms V997G.
Identifiers: ClinVar variation 3313217 (VCV003313217.3).